The following is an entry in ClinVar:

NM_001105206.3(LAMA4):c.456T>A (p.Ala152=)

Gene: LAMA4 (laminin subunit alpha 4; minus strand). Cytogenetic location: 6q21.
Variant type: single nucleotide variant.
Coding change: c.456T>A on transcript NM_001105206.3 (MANE Select); coding-DNA position 456, T replaced by A.
Protein change: p.Ala152=; no amino-acid change (alanine 152 retained).
Molecular consequence: synonymous variant.
Genome position (GRCh38, 1-based): chr6:112,201,655, A>T on the plus strand (T>A on the coding strand, the complement: LAMA4 is on the minus strand). VCF-style: chr6-112201655-A-T. GRCh37 (hg19) VCF-style: chr6-112522856-A-T.
Other names: p.A152A:GCT>GCA; c.456T>A, p.Ala152= (NM_001105207.3, NM_002290.5).
Identifiers: ClinVar variation 138066 (VCV000138066.23), dbSNP rs149106800, ClinGen allele CA295688.
Genomic context (GRCh38, chr6:112,201,655, plus strand): 5'-TTTATTGGCTTACCTTTCACAGTTAGGTCCAGCATAATTTTCGTTACAAATGCACCGAAC[A>T]GCTCCATTTTTCCTATAGCAGGATTCTGCAAAACTAAAATTGGAAGCAAATATTGGAAGT-3'
Protein context (NP_001098676.2, residues 142-162): FAESCYRKNG[Ala152=]VRCICNENYA

ClinVar aggregate classification (germline): Benign/Likely benign. Review status: criteria provided, multiple submitters, no conflicts (2 of 4 stars). 10 submissions from 10 submitters: Benign (1); Likely benign (4). 5 of the submissions do not count toward it. Last evaluated 2026-01-26.

Conditions:
Cardiovascular phenotype. Identifiers: MedGen CN230736.
Dilated cardiomyopathy 1JJ (CMD1JJ). Identifiers: Orphanet 154, MedGen C3808935, MONDO:0014095, OMIM 615235.

Allele frequency attached by ClinVar (database versions not stated): 1000 Genomes Project 30x 0.00016; gnomAD 0.00022 and 0.00024; ExAC 0.00020; ESP Exome Variant Server 0.00054; 1000 Genomes Project 0.00020; gnomAD exomes 0.00020 and 0.00065; TOPMed 0.00024.
gnomAD v4.1: 971 of 1,613,968 alleles (0.06%); highest among the groups gnomAD compares: Non-Finnish European, 0.08%; no homozygotes.

Submissions (10):

Labcorp Genetics (formerly Invitae), Labcorp
Classification: Likely benign for Dilated cardiomyopathy 1JJ. Last evaluated: 2026-01-26. Review status: criteria provided, single submitter. Criteria: Invitae Variant Classification Sherloc (09022015). Collection method: clinical testing. Allele origin: germline.

Blueprint Genetics
Classification: Likely benign. Last evaluated: 2024-09-20. Review status: criteria provided, single submitter. Criteria: ACMG Guidelines, 2015. Collection method: clinical testing. Allele origin: germline.

Ambry Genetics
Classification: Likely benign for Cardiovascular phenotype. Last evaluated: 2020-05-12. Review status: criteria provided, single submitter. Criteria: Ambry Variant Classification Scheme 2023. Collection method: clinical testing. Allele origin: germline.

GeneDx
Classification: Benign. Last evaluated: 2014-03-13. Review status: criteria provided, single submitter. Criteria: GeneDx Variant Classification (06012015). Collection method: clinical testing. Allele origin: germline. Affected: yes.
Comment: This variant is considered likely benign or benign based on one or more of the following criteria: it is a conservative change, it occurs at a poorly conserved position in the protein, it is predicted to be benign by multiple in silico algorithms, and/or has population frequency not consistent with disease.

Laboratory for Molecular Medicine, Mass General Brigham Personalized Medicine
Classification: Likely benign. Last evaluated: 2012-03-19. Review status: criteria provided, single submitter. Criteria: LMM Criteria. Collection method: clinical testing. Allele origin: germline. Observed: 2 variant alleles.
Comment: Ala152Ala in exon 5 of LAMA4: This variant is not expected to have clinical sign ificance because it does not alter an amino acid residue, is not located within the splice consensus sequence. It has been identified in 0.1% (3/3738) of Africa n American chromosomes from a broad population by the NHLBI Exome Sequencing Pro ject (dbSNP rs149106800). Ala152Ala in exon 5 of LAMA4 (rs149106800; allele frequency = 0.1%, 3/3738) **

Clinical Genetics DNA and cytogenetics Diagnostics Lab, Erasmus MC, Erasmus Medical Center
Classification: Likely benign. Review status: no assertion criteria provided. Collection method: clinical testing. Allele origin: germline. Affected: yes. Study: VKGL Data-share Consensus. Not counted in ClinVar's aggregate classification.

Clinical Genetics, Academic Medical Center
Classification: Benign. Review status: no assertion criteria provided. Collection method: clinical testing. Allele origin: germline. Affected: yes. Study: VKGL Data-share Consensus. Not counted in ClinVar's aggregate classification.

Diagnostic Laboratory, Department of Genetics, University Medical Center Groningen
Classification: Likely benign for Dilated cardiomyopathy 1JJ. Review status: no assertion criteria provided. Collection method: clinical testing. Allele origin: germline. Affected: yes. Study: VKGL Data-share Consensus. Not counted in ClinVar's aggregate classification.

Genome Diagnostics Laboratory, University Medical Center Utrecht
Classification: Likely benign. Review status: no assertion criteria provided. Collection method: clinical testing. Allele origin: germline. Affected: yes. Study: VKGL Data-share Consensus. Not counted in ClinVar's aggregate classification.

Joint Genome Diagnostic Labs from Nijmegen and Maastricht, Radboudumc and MUMC+
Classification: Likely benign. Review status: no assertion criteria provided. Collection method: clinical testing. Allele origin: germline. Affected: yes. Study: VKGL Data-share Consensus. Not counted in ClinVar's aggregate classification.